The following is an entry in ClinVar:

ClinVar aggregate classification (germline): Uncertain significance (1 of 4 stars; one submission).

Submission:

ISCA site 4
Classification: Uncertain significance. Last evaluated: 2011-08-12. Review status: criteria provided, single submitter. Criteria: Kaminsky et al. (Genet Med. 2011). Collection method: clinical testing. Allele origin: unknown. Affected: yes. Observed: 1 variant allele.
Comment: Copy number variation identified through the course of routine clinical cytogenomic testing in postnatal populations. Clinical assertions have been curated as described in Kaminsky et al. 2011.

GRCh38/hg38 10q26.3(chr10:133001134-133620674)x1

Genes: ADAM8 (ADAM metallopeptidase domain 8; minus strand), ADGRA1 (adhesion G protein-coupled receptor A1; plus strand), ADGRA1-AS1 (ADGRA1 antisense RNA 1; minus strand), CALY (calcyon neuron specific vesicular protein; minus strand), CYP2E1 (cytochrome P450 family 2 subfamily E member 1; plus strand) and 56 more. Cytogenetic location: 10q26.3.
Variant type: copy number loss.
Change: copy number 1 (one copy instead of two) of chr10:133,001,134-133,620,674 (619.5 kb, GRCh38 coordinates, 1-based), cytogenetic band 10q26.3.
Identifiers: ClinVar variation 57459 (VCV000057459.1).